The following is an entry in ClinVar:

NC_000001.10:g.(?_6527623)_(6537631_?)dup

Gene: PLEKHG5 (pleckstrin homology and RhoGEF domain containing G5; minus strand). Cytogenetic location: 1p36.31.
Variant type: Duplication.
Identifiers: ClinVar variation 2426567 (VCV002426567.5).

ClinVar aggregate classification (germline): Uncertain significance (1 of 4 stars; one submission).

Conditions:
Neuronopathy, distal hereditary motor, autosomal recessive 4. Also called: Autosomal recessive lower motor neuron disease with childhood onset; NEUROPATHY, DISTAL HEREDITARY MOTOR, AUTOSOMAL RECESSIVE 4. Identifiers: Orphanet 206580, MedGen C1970211, MONDO:0012608, OMIM 611067.
Charcot-Marie-Tooth disease recessive intermediate C. Also called: CHARCOT-MARIE-TOOTH NEUROPATHY, RECESSIVE INTERMEDIATE C. Identifiers: Orphanet 369867, MedGen C3809309, MONDO:0014154, OMIM 615376.

Submission:

Labcorp Genetics (formerly Invitae), Labcorp
Classification: Uncertain significance for Neuronopathy, distal hereditary motor, autosomal recessive 4; Charcot-Marie-Tooth disease recessive intermediate C. Last evaluated: 2022-02-03. Review status: criteria provided, single submitter. Criteria: Invitae Variant Classification Sherloc (09022015). Collection method: clinical testing. Allele origin: germline.
Comment: A copy number gain of the genomic region encompassing the full coding sequence of the PLEKHG5 gene has been identified. The boundaries of this event are unknown as they extend beyond the assayed region for this gene and therefore may encompass additional genes. As the precise location of this event is unknown, it may be in tandem or it may be located elsewhere in the genome. This variant has not been reported in the literature in individuals affected with PLEKHG5-related conditions. In summary, the available evidence is currently insufficient to determine the role of this variant in disease. Therefore, it has been classified as a Variant of Uncertain Significance.